The following is an entry in ClinVar:

ClinVar aggregate classification (germline): Uncertain significance. Review status: criteria provided, multiple submitters, no conflicts (2 of 4 stars). 2 submissions from 2 submitters: Uncertain significance (2). Last evaluated 2025-10-19.

Conditions:
Brugada syndrome 8 (BRGDA8). Identifiers: Orphanet 130, MedGen C2751083, MONDO:0013148, OMIM 613123.
Cardiovascular phenotype. Identifiers: MedGen CN230736.

Allele frequency attached by ClinVar (database versions not stated): TOPMed 0.00001; gnomAD 0.00001.
gnomAD v4.1: 8 of 1,514,166 alleles (0.00053%); highest among the groups gnomAD compares: Admixed American, 0.014%; no homozygotes.

Submissions (2):

Labcorp Genetics (formerly Invitae), Labcorp
Classification: Uncertain significance for Brugada syndrome 8. Last evaluated: 2025-10-19. Review status: criteria provided, single submitter. Criteria: Invitae Variant Classification Sherloc (09022015). Collection method: clinical testing. Allele origin: germline.
Comment: This sequence change replaces serine, which is neutral and polar, with asparagine, which is neutral and polar, at codon 47 of the HCN4 protein (p.Ser47Asn). The frequency data for this variant in the population databases is considered unreliable, as metrics indicate poor data quality at this position in the gnomAD database. This variant has not been reported in the literature in individuals affected with HCN4-related conditions. ClinVar contains an entry for this variant (Variation ID: 2764461). Invitae Evidence Modeling of protein sequence and biophysical properties (such as structural, functional, and spatial information, amino acid conservation, physicochemical variation, residue mobility, and thermodynamic stability) has been performed for this missense variant. However, the output from this modeling did not meet the statistical confidence thresholds required to predict the impact of this variant on HCN4 protein function. In summary, the available evidence is currently insufficient to determine the role of this variant in disease. Therefore, it has been classified as a Variant of Uncertain Significance.

Ambry Genetics
Classification: Uncertain significance for Cardiovascular phenotype. Last evaluated: 2025-04-08. Review status: criteria provided, single submitter. Criteria: Ambry Variant Classification Scheme 2023. Collection method: clinical testing. Allele origin: germline.

NM_005477.3(HCN4):c.140G>A (p.Ser47Asn)

Gene: HCN4 (hyperpolarization activated cyclic nucleotide gated potassium channel 4; minus strand). Cytogenetic location: 15q24.1.
Variant type: single nucleotide variant.
Coding change: c.140G>A on transcript NM_005477.3 (MANE Select); coding-DNA position 140, G replaced by A.
Protein change: p.Ser47Asn; replaces serine 47 with asparagine.
Molecular consequence: missense variant.
Genome position (GRCh38, 1-based): chr15:73,368,131, C>T on the plus strand (G>A on the coding strand, the complement: HCN4 is on the minus strand). VCF-style: chr15-73368131-C-T. GRCh37 (hg19) VCF-style: chr15-73660472-C-T.
Other names: c.140G>A (NM_005477.2); short protein forms S47N.
Identifiers: ClinVar variation 2764461 (VCV002764461.4), dbSNP rs1426506590, ClinGen allele CA393098897.
Genomic context (GRCh38, chr15:73,368,131, plus strand): 5'-GACTCCGTGCCACCCGCGGCCGCCGAGGGGGAGGGCGAGGGCAGTGGCCGCAGCCGGATG[C>T]TCCTGCGGCTGGGGTCTTGGCGGCCCCCGGCCCCCTCCTCCTCGGCGTCCTCTTCCTCGT-3'
Protein context (NP_005468.1, residues 37-57): AGGRQDPSRR[Ser47Asn]IRLRPLPSPS